The following is an entry in ClinVar:

NM_024675.4(PALB2):c.442A>C (p.Lys148Gln)

Gene: PALB2 (partner and localizer of BRCA2; minus strand). Cytogenetic location: 16p12.2.
Variant type: single nucleotide variant.
Coding change: c.442A>C on transcript NM_024675.4 (MANE Select); coding-DNA position 442, A replaced by C.
Protein change: p.Lys148Gln; replaces lysine 148 with glutamine.
Molecular consequence: missense variant.
Genome position (GRCh38, 1-based): chr16:23,636,104, T>G on the plus strand (A>C on the coding strand, the complement: PALB2 is on the minus strand). VCF-style: chr16-23636104-T-G. GRCh37 (hg19) VCF-style: chr16-23647425-T-G.
Other names: short protein forms K148Q.
Identifiers: ClinVar variation 1420084 (VCV001420084.7), dbSNP rs2142443334, ClinGen allele CA395137256.

ClinVar aggregate classification (germline): Uncertain significance (1 of 4 stars; one submission).

Conditions:
Familial cancer of breast. Also called: BREAST CANCER, FAMILIAL; Hereditary breast cancer; hereditary breast carcinoma. Identifiers: Orphanet 227535, MedGen C0346153, MONDO:0016419, OMIM 114480. Disease mechanism: loss of function.

Submission:

Labcorp Genetics (formerly Invitae), Labcorp
Classification: Uncertain significance for Familial cancer of breast. Last evaluated: 2021-10-10. Review status: criteria provided, single submitter. Criteria: Invitae Variant Classification Sherloc (09022015). Collection method: clinical testing. Allele origin: germline.
Comment: In summary, the available evidence is currently insufficient to determine the role of this variant in disease. Therefore, it has been classified as a Variant of Uncertain Significance. Algorithms developed to predict the effect of missense changes on protein structure and function (SIFT, PolyPhen-2, Align-GVGD) all suggest that this variant is likely to be tolerated. This variant has not been reported in the literature in individuals affected with PALB2-related conditions. This variant is not present in population databases (ExAC no frequency). This sequence change replaces lysine with glutamine at codon 148 of the PALB2 protein (p.Lys148Gln). The lysine residue is moderately conserved and there is a small physicochemical difference between lysine and glutamine.